The following is an entry in ClinVar:

ClinVar aggregate classification (germline): Uncertain significance (1 of 4 stars; one submission).

Submission:

CeGaT Center for Human Genetics Tuebingen
Classification: Uncertain significance. Last evaluated: 2024-05-01. Review status: criteria provided, single submitter. Criteria: CeGaT Center For Human Genetics Tuebingen Variant Classification Criteria Version 2. Collection method: clinical testing. Allele origin: germline. Affected: yes. Observed: 1 variant allele.
Comment: TUBB4A: PM2, PP2

NM_006087.4(TUBB4A):c.1276C>G (p.Gln426Glu)

Gene: TUBB4A (tubulin beta 4A class IVa; minus strand). Cytogenetic location: 19p13.3.
Variant type: single nucleotide variant.
Coding change: c.1276C>G on transcript NM_006087.4 (MANE Select); coding-DNA position 1276, C replaced by G.
Protein change: p.Gln426Glu; replaces glutamine 426 with glutamic acid.
Molecular consequence: missense variant.
Genome position (GRCh38, 1-based): chr19:6,495,223, G>C on the plus strand (C>G on the coding strand, the complement: TUBB4A is on the minus strand). VCF-style: chr19-6495223-G-C. GRCh37 (hg19) VCF-style: chr19-6495234-G-C.
Other names: c.1429C>G, p.Gln477Glu (NM_001289123.2); c.1411C>G, p.Gln471Glu (NM_001289127.2); c.1276C>G, p.Gln426Glu (NM_001289129.2); c.1060C>G, p.Gln354Glu (NM_001289130.2, NM_001289131.2); short protein forms Q354E, Q426E, Q471E, Q477E.
Identifiers: ClinVar variation 3239537 (VCV003239537.19), dbSNP rs2512751593.